The following is an entry in ClinVar:

ClinVar aggregate classification (germline): Benign. Review status: criteria provided, multiple submitters, no conflicts (2 of 4 stars). 2 submissions from 2 submitters: Benign (2). Last evaluated 2018-06-14.

Allele frequency attached by ClinVar (database versions not stated): ExAC 0.54632; gnomAD 0.58756 and 0.59359; TOPMed 0.59378; 1000 Genomes Project 0.60244; ESP Exome Variant Server 0.60286; 1000 Genomes Project 30x 0.60415.

Submissions (2):

GeneDx
Classification: Benign. Last evaluated: 2018-06-14. Review status: criteria provided, single submitter. Criteria: GeneDx Variant Classification (06012015). Collection method: clinical testing. Allele origin: germline. Affected: yes.
Comment: This variant is considered likely benign or benign based on one or more of the following criteria: it is a conservative change, it occurs at a poorly conserved position in the protein, it is predicted to be benign by multiple in silico algorithms, and/or has population frequency not consistent with disease.

Breakthrough Genomics
Classification: Benign. Review status: criteria provided, single submitter. Criteria: ACMG Guidelines, 2015. Collection method: not provided. Allele origin: germline. Inheritance: Autosomal recessive inheritance. Affected: yes.

NM_001244008.2(KIF1A):c.1949+22A>T

Gene: KIF1A (kinesin family member 1A; minus strand). Cytogenetic location: 2q37.3.
Variant type: single nucleotide variant.
Coding change: c.1949+22A>T on transcript NM_001244008.2 (MANE Select); 22 bases into the intron after coding-DNA position 1949, A replaced by T.
Molecular consequence: intron variant.
Genome position (GRCh38, 1-based): chr2:240,763,144, T>A on the plus strand (A>T on the coding strand, the complement: KIF1A is on the minus strand). VCF-style: chr2-240763144-T-A. GRCh37 (hg19) VCF-style: chr2-241702561-T-A.
Other names: c.1922+22A>T (NM_001379653.1, NM_001379650.1, NM_001379645.1 and 10 more transcripts); c.2024+22A>T (NM_001379635.1, NM_001330290.2, NM_001379646.1 and 2 more transcripts); c.1997+22A>T (NM_001379637.1, NM_001379648.1); c.1949+22A>T (NM_001320705.2, NM_001379638.1, NM_001330289.2).
Identifiers: ClinVar variation 671033 (VCV000671033.2), dbSNP rs11688298, ClinGen allele CA2208247.